The following is an entry in ClinVar:

NM_000548.5(TSC2):c.1717-13C>T

Gene: TSC2 (TSC complex subunit 2; plus strand). Cytogenetic location: 16p13.3.
Variant type: single nucleotide variant.
Coding change: c.1717-13C>T on transcript NM_000548.5 (MANE Select); 13 bases into the intron before coding-DNA position 1717, C replaced by T.
Molecular consequence: intron variant.
Genome position (GRCh38, 1-based): chr16:2,070,443, C>T. VCF-style: chr16-2070443-C-T. GRCh37 (hg19) VCF-style: chr16-2120444-C-T.
Other names: c.1717-13C>T (NM_001114382.3, NM_021055.3, NM_001370405.1 and 3 more transcripts); c.1606-13C>T (NM_001318827.2); c.1117-13C>T (NM_001318831.2); c.1570-13C>T (NM_001318829.2); c.1750-13C>T (NM_001318832.2).
Identifiers: ClinVar variation 1546328 (VCV001546328.9), dbSNP rs2151277233, ClinGen allele CA2573151512.
Genomic context (GRCh38, chr16:2,070,443, plus strand): 5'-CGGGACAAGGGTGCTGTCTTAGGACTGCGTTTTCACCTCCTGCGCCGTGGTGAGCTGCGT[C>T]CTCTCTCTGCAGACCAAGCTGTACACCCTGCCTGCAAGCCACGCCACGCGTGTGTATGAG-3'

ClinVar aggregate classification (germline): Likely benign. Review status: criteria provided, multiple submitters, no conflicts (2 of 4 stars). 2 submissions from 2 submitters: Likely benign (2). Last evaluated 2025-05-15.

Conditions:
Tuberous sclerosis 2 (TSC2). Identifiers: Orphanet 805, MedGen C1860707, MONDO:0013199, OMIM 613254.

gnomAD v4.1: 2 of 1,613,340 alleles (0.00012%); highest among the groups gnomAD compares: Non-Finnish European, 0.00017%; no homozygotes.

Submissions (2):

Myriad Genetics, Inc.
Classification: Likely benign for Tuberous sclerosis 2. Last evaluated: 2025-05-15. Review status: criteria provided, single submitter. Criteria: Myriad Autosomal Dominant, Autosomal Recessive and X-Linked Classification Criteria (2023). Collection method: clinical testing. Allele origin: unknown.
Comment: This variant is considered likely benign. This variant is intronic and is not expected to impact mRNA splicing.

Labcorp Genetics (formerly Invitae), Labcorp
Classification: Likely benign for Tuberous sclerosis 2. Last evaluated: 2024-11-03. Review status: criteria provided, single submitter. Criteria: Invitae Variant Classification Sherloc (09022015). Collection method: clinical testing. Allele origin: germline.